The following is an entry in ClinVar:

NM_005120.3(MED12):c.2737G>C (p.Asp913His)

Gene: MED12 (mediator complex subunit 12; plus strand). Cytogenetic location: Xq13.1.
Variant type: single nucleotide variant.
Coding change: c.2737G>C on transcript NM_005120.3 (MANE Select); coding-DNA position 2737, G replaced by C.
Protein change: p.Asp913His; replaces aspartic acid 913 with histidine.
Molecular consequence: missense variant.
Genome position (GRCh38, 1-based): chrX:71,127,020, G>C. VCF-style: chrX-71127020-G-C. GRCh37 (hg19) VCF-style: chrX-70346870-G-C.
Other names: short protein forms D913H.
Identifiers: ClinVar variation 3616581 (VCV003616581.2).

ClinVar aggregate classification (germline): Uncertain significance (1 of 4 stars; one submission).

Conditions:
FG syndrome (FGS). Identifiers: MedGen C0220769, MONDO:0002010.

Submission:

Labcorp Genetics (formerly Invitae), Labcorp
Classification: Uncertain significance for FG syndrome. Last evaluated: 2024-10-03. Review status: criteria provided, single submitter. Criteria: Invitae Variant Classification Sherloc (09022015). Collection method: clinical testing. Allele origin: germline.
Comment: This sequence change replaces aspartic acid, which is acidic and polar, with histidine, which is basic and polar, at codon 913 of the MED12 protein (p.Asp913His). This variant is not present in population databases (gnomAD no frequency). This variant has not been reported in the literature in individuals affected with MED12-related conditions. Invitae Evidence Modeling of protein sequence and biophysical properties (such as structural, functional, and spatial information, amino acid conservation, physicochemical variation, residue mobility, and thermodynamic stability) indicates that this missense variant is not expected to disrupt MED12 protein function with a negative predictive value of 95%. In summary, the available evidence is currently insufficient to determine the role of this variant in disease. Therefore, it has been classified as a Variant of Uncertain Significance.